The following is an entry in ClinVar:

ClinVar aggregate classification (germline): Likely benign (1 of 4 stars; one submission).

Conditions:
GLS-related disorder. Also called: GLS-related condition.

Submission:

PreventionGenetics, part of Exact Sciences
Classification: Likely benign for GLS-related condition. Last evaluated: 2025-05-14. Review status: criteria provided, single submitter. Criteria: ACMG Guidelines, 2015. Collection method: clinical testing. Allele origin: germline.
Comment: This variant is classified as likely benign based on ACMG/AMP sequence variant interpretation guidelines (Richards et al. 2015 PMID: 25741868, with internal and published modifications).

NM_014905.5(GLS):c.-212GCA[32]

Genes: GLS (glutaminase; plus strand), LOC129935268 (ATAC-STARR-seq lymphoblastoid silent region 12186; plus strand). Cytogenetic location: 2q32.2.
Variant type: Microsatellite.
Coding change: c.-212GCA[32] on transcript NM_014905.5 (MANE Select); 32 copies in a row of the 3-base unit GCA starting at c.-212; the reference has 16 copies in a row; 16 copies, 48 bases duplicated.
Molecular consequence: 5 prime UTR variant.
Genome position (GRCh38, 1-based): chr2:190,880,873-190,880,920, 48 bases duplicated. GRCh37 (hg19), VCF-style position (the base before the change): chr2:191,745,598.
Other names: c.-212GCA[32] (NM_001256310.2, NM_001437282.1, NM_001437283.1).
Identifiers: ClinVar variation 4990189 (VCV004990189.1).